The following is an entry in ClinVar:

NM_001386795.1(DTNA):c.1529A>G (p.Asn510Ser)

Gene: DTNA (dystrobrevin alpha; plus strand). Cytogenetic location: 18q12.1.
Variant type: single nucleotide variant.
Coding change: c.1529A>G on transcript NM_001386795.1 (MANE Select); coding-DNA position 1529, A replaced by G.
Protein change: p.Asn510Ser; replaces asparagine 510 with serine.
Molecular consequence: missense variant.
Genome position (GRCh38, 1-based): chr18:34,851,925, A>G. VCF-style: chr18-34851925-A-G. GRCh37 (hg19) VCF-style: chr18-32431889-A-G.
Other names: c.1268A>G, p.Asn423Ser (NM_001198938.2, NM_001198939.2, NM_001198940.2 and 9 more transcripts); c.575A>G, p.Asn192Ser (NM_001198942.1); c.518A>G, p.Asn173Ser (NM_001198943.1); c.404A>G, p.Asn135Ser (NM_001198944.1); c.698A>G, p.Asn233Ser (NM_001198945.2); c.1358A>G, p.Asn453Ser (NM_001386754.1, NM_001386755.1, NM_001386756.1 and 4 more transcripts); c.1355A>G, p.Asn452Ser (NM_001386760.1); c.1277A>G, p.Asn426Ser (NM_001386761.1, NM_032975.4, NM_032979.5); and 7 more; short protein forms N173S, N452S, N480S, N105S, N135S, N192S, N422S, N423S.
Identifiers: ClinVar variation 1415034 (VCV001415034.8), dbSNP rs1270254305, ClinGen allele CA402174771.

ClinVar aggregate classification (germline): Uncertain significance (1 of 4 stars; one submission).

Conditions:
Left ventricular noncompaction 1 (LVNC1). Also called: LEFT VENTRICULAR NONCOMPACTION 1 WITH OR WITHOUT CONGENITAL HEART DEFECTS. Identifiers: Orphanet 54260, MedGen C1858725, MONDO:0011403, OMIM 604169.

Allele frequency attached by ClinVar (database versions not stated): gnomAD exomes below 0.00001; TOPMed below 0.00001.
gnomAD v4.1: 6 of 1,613,834 alleles (0.00037%); highest among the groups gnomAD compares: Non-Finnish European, 0.00051%; no homozygotes.

Submission:

Labcorp Genetics (formerly Invitae), Labcorp
Classification: Uncertain significance for Left ventricular noncompaction 1. Last evaluated: 2021-03-13. Review status: criteria provided, single submitter. Criteria: Invitae Variant Classification Sherloc (09022015). Collection method: clinical testing. Allele origin: germline.
Comment: This sequence change replaces asparagine with serine at codon 480 of the DTNA protein (p.Asn480Ser). The asparagine residue is highly conserved and there is a small physicochemical difference between asparagine and serine. In summary, the available evidence is currently insufficient to determine the role of this variant in disease. Therefore, it has been classified as a Variant of Uncertain Significance. Algorithms developed to predict the effect of missense changes on protein structure and function (SIFT, PolyPhen-2, Align-GVGD) all suggest that this variant is likely to be disruptive, but these predictions have not been confirmed by published functional studies and their clinical significance is uncertain. This variant has not been reported in the literature in individuals with DTNA-related conditions. This variant is not present in population databases (ExAC no frequency).